The following is an entry in ClinVar:

ClinVar aggregate classification (germline): Conflicting classifications of pathogenicity. Review status: criteria provided, conflicting classifications (1 of 4 stars). 3 submissions from 3 submitters: Uncertain significance (2); Likely benign (1). Last evaluated 2023-08-04.

Conditions:
Inborn genetic diseases. Identifiers: MedGen C0950123, MeSH D030342.
Immunodeficiency 35 (IMD35). Also called: Susceptibility to infection due to TYK2 deficiency; TYK2 DEFICIENCY; HIES WITH ATYPICAL MYCOBACTERIOSIS, AUTOSOMAL RECESSIVE; HYPER-IgE SYNDROME WITH ATYPICAL MYCOBACTERIOSIS, AUTOSOMAL RECESSIVE. Identifiers: Orphanet 331226, MedGen C1969086, MONDO:0012682, OMIM 611521.

Allele frequency attached by ClinVar (database versions not stated): gnomAD below 0.00001 and 0.00001; gnomAD exomes below 0.00001 and 0.00001.
gnomAD v4.1: 11 of 1,613,738 alleles (0.00068%); highest among the groups gnomAD compares: Admixed American, 0.0033%; no homozygotes.

Submissions (3):

Ambry Genetics
Classification: Likely benign for Inborn genetic diseases. Last evaluated: 2023-08-04. Review status: criteria provided, single submitter. Criteria: Ambry Variant Classification Scheme 2023. Collection method: clinical testing. Allele origin: germline.

Labcorp Genetics (formerly Invitae), Labcorp
Classification: Uncertain significance for Immunodeficiency 35. Last evaluated: 2022-07-19. Review status: criteria provided, single submitter. Criteria: Invitae Variant Classification Sherloc (09022015). Collection method: clinical testing. Allele origin: germline.
Comment: This sequence change replaces alanine, which is neutral and non-polar, with valine, which is neutral and non-polar, at codon 361 of the TYK2 protein (p.Ala361Val). This variant is present in population databases (rs373246540, gnomAD 0.006%). This variant has not been reported in the literature in individuals affected with TYK2-related conditions. ClinVar contains an entry for this variant (Variation ID: 962533). Algorithms developed to predict the effect of missense changes on protein structure and function output the following: SIFT: "Not Available"; PolyPhen-2: "Benign"; Align-GVGD: "Not Available". The valine amino acid residue is found in multiple mammalian species, which suggests that this missense change does not adversely affect protein function. Algorithms developed to predict the effect of sequence changes on RNA splicing suggest that this variant may create or strengthen a splice site. In summary, the available evidence is currently insufficient to determine the role of this variant in disease. Therefore, it has been classified as a Variant of Uncertain Significance.

Revvity Omics, Revvity
Classification: Uncertain significance for Immunodeficiency 35. Last evaluated: 2019-01-03. Review status: criteria provided, single submitter. Criteria: ACMG Guidelines, 2015. Collection method: clinical testing. Allele origin: germline.

NM_003331.5(TYK2):c.1082C>T (p.Ala361Val)

Gene: TYK2 (tyrosine kinase 2; minus strand). Cytogenetic location: 19p13.2.
Variant type: single nucleotide variant.
Coding change: c.1082C>T on transcript NM_003331.5 (MANE Select); coding-DNA position 1082, C replaced by T.
Protein change: p.Ala361Val; replaces alanine 361 with valine.
Molecular consequence: missense variant.
Genome position (GRCh38, 1-based): chr19:10,364,978, G>A on the plus strand (C>T on the coding strand, the complement: TYK2 is on the minus strand). VCF-style: chr19-10364978-G-A. GRCh37 (hg19) VCF-style: chr19-10475654-G-A.
Other names: short protein forms A361V.
Identifiers: ClinVar variation 962533 (VCV000962533.9), dbSNP rs373246540, ClinGen allele CA305206535.